The following is an entry in ClinVar:

NM_000264.5(PTCH1):c.531A>T (p.Gln177His)

Gene: PTCH1 (patched 1; minus strand). Cytogenetic location: 9q22.32.
Variant type: single nucleotide variant.
Coding change: c.531A>T on transcript NM_000264.5 (MANE Select); coding-DNA position 531, A replaced by T.
Protein change: p.Gln177His; replaces glutamine 177 with histidine.
Molecular consequence: missense variant. On other transcripts: non-coding transcript variant (1).
Genome position (GRCh38, 1-based): chr9:95,485,738, T>A on the plus strand (A>T on the coding strand, the complement: PTCH1 is on the minus strand). VCF-style: chr9-95485738-T-A. GRCh37 (hg19) VCF-style: chr9-98248020-T-A.
Other names: c.531A>T (NM_000264.4); c.333A>T, p.Gln111His (NM_001083602.3, NM_001354919.2); c.528A>T, p.Gln176His (NM_001083603.3); c.78A>T, p.Gln26His (NM_001083604.3, NM_001083605.3, NM_001083606.3 and 1 more transcripts); c.531A>T, p.Gln177His (NM_001354918.2); short protein forms Q111H, Q26H, Q176H, Q177H.
Identifiers: ClinVar variation 966072 (VCV000966072.15), dbSNP rs1841912540, ClinGen allele CA374116797.
Genomic context (GRCh38, chr9:95,485,738, plus strand): 5'-GCCTTACCTGTTGTACATGTATACATGGACACGGCTGGCCTGGAGTGCCGAGTCCAGGTG[T>A]TGTAGGAGCGCTTCTGTGGTCAGGACATTAGCACCTTCTTCTTTAGGGGTCTGTATCATG-3'
Protein context (NP_000255.2, residues 167-187): ANVLTTEALL[Gln177His]HLDSALQASR

ClinVar aggregate classification (germline): Uncertain significance. Review status: criteria provided, multiple submitters, no conflicts (2 of 4 stars). 4 submissions from 4 submitters: Uncertain significance (4). Last evaluated 2026-01-26.

Conditions:
Hereditary cancer-predisposing syndrome. Also called: Hereditary neoplastic syndrome; Hereditary Cancer Syndrome; Tumor predisposition; Neoplastic Syndromes, Hereditary. Identifiers: Orphanet 140162, MedGen C0027672, MeSH D009386, MONDO:0015356.
Gorlin syndrome. Also called: Nevoid Basal Cell Carcinoma Syndrome; Basal cell nevus syndrome. Identifiers: Orphanet 377, MedGen C0004779, MONDO:0007187.

Allele frequency attached by ClinVar (database versions not stated): gnomAD exomes 0.00001.
gnomAD v4.1: 9 of 1,614,164 alleles (0.00056%); highest among the groups gnomAD compares: Non-Finnish European, 0.00068%; no homozygotes.

Submissions (4):

Labcorp Genetics (formerly Invitae), Labcorp
Classification: Uncertain significance for Gorlin syndrome. Last evaluated: 2026-01-26. Review status: criteria provided, single submitter. Criteria: Invitae Variant Classification Sherloc (09022015). Collection method: clinical testing. Allele origin: germline.
Comment: This sequence change replaces glutamine, which is neutral and polar, with histidine, which is basic and polar, at codon 177 of the PTCH1 protein (p.Gln177His). This variant is not present in population databases (gnomAD no frequency). This variant has not been reported in the literature in individuals affected with PTCH1-related conditions. ClinVar contains an entry for this variant (Variation ID: 966072). Invitae Evidence Modeling of protein sequence and biophysical properties (such as structural, functional, and spatial information, amino acid conservation, physicochemical variation, residue mobility, and thermodynamic stability) indicates that this missense variant is not expected to disrupt PTCH1 protein function with a negative predictive value of 95%. In summary, the available evidence is currently insufficient to determine the role of this variant in disease. Therefore, it has been classified as a Variant of Uncertain Significance.

Ambry Genetics
Classification: Uncertain significance for Hereditary cancer-predisposing syndrome. Last evaluated: 2025-04-09. Review status: criteria provided, single submitter. Criteria: Ambry Variant Classification Scheme 2023. Collection method: clinical testing. Allele origin: germline.
Comment: The p.Q177H variant (also known as c.531A>T), located in coding exon 3 of the PTCH1 gene, results from an A to T substitution at nucleotide position 531. The glutamine at codon 177 is replaced by histidine, an amino acid with highly similar properties. This amino acid position is highly conserved in available vertebrate species. In addition, the in silico prediction for this alteration is inconclusive. Since supporting evidence is limited at this time, the clinical significance of this alteration remains unclear.

Quest Diagnostics Nichols Institute San Juan Capistrano
Classification: Uncertain significance. Last evaluated: 2024-10-30. Review status: criteria provided, single submitter. Criteria: Quest Diagnostics criteria. Collection method: clinical testing. Allele origin: unknown.
Comment: The PTCH1 c.531A>T (p.Gln177His) variant has not been reported in individuals with PTCH1-related conditions in the published literature. It also has not been reported in large, multi-ethnic general populations (Genome Aggregation Database). Analysis of this variant using bioinformatics tools for the prediction of the effect of amino acid changes on protein structure and function yielded predictions that this variant is damaging. Based on the available information, we are unable to determine the clinical significance of this variant.

GeneDx
Classification: Uncertain significance. Last evaluated: 2023-04-28. Review status: criteria provided, single submitter. Criteria: GeneDx Variant Classification Process June 2021. Collection method: clinical testing. Allele origin: germline. Affected: yes.
Comment: Not observed at significant frequency in large population cohorts (gnomAD); In silico analysis supports that this missense variant does not alter protein structure/function; Has not been previously published as pathogenic or benign to our knowledge; This variant is associated with the following publications: (PMID: 8906794)

Literature cited by the submitters: PubMed 24204797 (cited by Quest Diagnostics Nichols Institute San Juan Capistrano).